The following is an entry in ClinVar:

ClinVar aggregate classification (germline): Uncertain significance (1 of 4 stars; one submission).

Conditions:
Nephronophthisis. Also called: Juvenile Nephronophthisis. Identifiers: Orphanet 655, MedGen C0687120, MONDO:0019005, HP:0000090.

gnomAD v4.1: 1 of 1,569,594 alleles (0.000064%); highest among the groups gnomAD compares: Non-Finnish European, 0.000087%; no homozygotes.

Submission:

Labcorp Genetics (formerly Invitae), Labcorp
Classification: Uncertain significance for Nephronophthisis. Last evaluated: 2025-10-19. Review status: criteria provided, single submitter. Criteria: Invitae Variant Classification Sherloc (09022015). Collection method: clinical testing. Allele origin: germline.
Comment: This sequence change replaces histidine, which is basic and polar, with tyrosine, which is neutral and polar, at codon 103 of the NPHP4 protein (p.His103Tyr). The frequency data for this variant in the population databases is considered unreliable, as metrics indicate poor data quality at this position in the gnomAD database. This variant has not been reported in the literature in individuals affected with NPHP4-related conditions. Invitae Evidence Modeling of protein sequence and biophysical properties (such as structural, functional, and spatial information, amino acid conservation, physicochemical variation, residue mobility, and thermodynamic stability) indicates that this missense variant is expected to disrupt NPHP4 protein function with a positive predictive value of 80%. In summary, the available evidence is currently insufficient to determine the role of this variant in disease. Therefore, it has been classified as a Variant of Uncertain Significance.

NM_015102.5(NPHP4):c.307C>T (p.His103Tyr)

Gene: NPHP4 (nephrocystin 4; minus strand). Cytogenetic location: 1p36.31.
Variant type: single nucleotide variant.
Coding change: c.307C>T on transcript NM_015102.5 (MANE Select); coding-DNA position 307, C replaced by T.
Protein change: p.His103Tyr; replaces histidine 103 with tyrosine.
Molecular consequence: missense variant. On other transcripts: 5 prime UTR variant (2), non-coding transcript variant (1).
Genome position (GRCh38, 1-based): chr1:5,969,232, G>A on the plus strand (C>T on the coding strand, the complement: NPHP4 is on the minus strand). VCF-style: chr1-5969232-G-A. GRCh37 (hg19) VCF-style: chr1-6029292-G-A.
Other names: c.-923C>T (NM_001291593.2); c.-1060C>T (NM_001291594.2); short protein forms H103Y.
Identifiers: ClinVar variation 4797873 (VCV004797873.1).
Genomic context (GRCh38, chr1:5,969,232, plus strand): 5'-GGCTCCCATCCCGTTTCTTGCCCTCAGCGACCACTTCCACCACAGCCACGATATGAGGGT[G>A]GTTTAGGGATGTGTGAAAATACAAGGGCTGCAGAACAGAAGCCAGAGGATGGTCTGAGTG-3'
Protein context (NP_055917.1, residues 93-113): EPLYFHTSLN[His103Tyr]PHIVAVVEVV